The following is an entry in ClinVar:

ClinVar aggregate classification (germline): Conflicting classifications of pathogenicity. Review status: criteria provided, conflicting classifications (1 of 4 stars). 2 submissions from 2 submitters: Uncertain significance (1); Likely benign (1). Last evaluated 2023-03-23.

Conditions:
Hereditary cancer-predisposing syndrome. Also called: Hereditary Cancer Syndrome; Hereditary neoplastic syndrome; Neoplastic Syndromes, Hereditary; Tumor predisposition. Identifiers: Orphanet 140162, MedGen C0027672, MeSH D009386, MONDO:0015356.
Hereditary breast ovarian cancer syndrome. Also called: BRCA1- and BRCA2-Associated Hereditary Breast and Ovarian Cancer; Hereditary breast and ovarian cancer; Hereditary breast and ovarian cancer syndrome (HBOC); Hereditary breast and/or ovarian cancer syndrome; Hereditary breast and ovarian cancer syndrome; Breast and ovarian cancer. Identifiers: Orphanet 145, MedGen C0677776, MeSH D061325, MONDO:0003582. Disease mechanism: loss of function.

Submissions (2):

University of Washington Department of Laboratory Medicine, University of Washington
Classification: Likely benign for Hereditary cancer-predisposing syndrome. Last evaluated: 2023-03-23. Review status: criteria provided, single submitter. Criteria: Dines et al. (Genet Med. 2020). Collection method: curation. Allele origin: germline.
Comment: Missense variant in a coldspot region where missense variants are very unlikely to be pathogenic (PMID:31911673).

BRCA2 exon 11 coldspot. Reclassification based on statistical prior probability.

Labcorp Genetics (formerly Invitae), Labcorp
Classification: Uncertain significance for Hereditary breast ovarian cancer syndrome. Last evaluated: 2021-09-09. Review status: criteria provided, single submitter. Criteria: Invitae Variant Classification Sherloc (09022015). Collection method: clinical testing. Allele origin: germline.
Comment: This sequence change replaces glutamine with arginine at codon 1107 of the BRCA2 protein (p.Gln1107Arg). The glutamine residue is highly conserved and there is a small physicochemical difference between glutamine and arginine. In summary, the available evidence is currently insufficient to determine the role of this variant in disease. Therefore, it has been classified as a Variant of Uncertain Significance. Advanced modeling of protein sequence and biophysical properties (such as structural, functional, and spatial information, amino acid conservation, physicochemical variation, residue mobility, and thermodynamic stability) performed at Invitae indicates that this missense variant is not expected to disrupt BRCA2 protein function. This variant has not been reported in the literature in individuals affected with BRCA2-related conditions. This variant is not present in population databases (ExAC no frequency).

NM_000059.4(BRCA2):c.3320A>G (p.Gln1107Arg)

Gene: BRCA2 (BRCA2 DNA repair associated; plus strand). Cytogenetic location: 13q13.1.
Variant type: single nucleotide variant.
Coding change: c.3320A>G on transcript NM_000059.4 (MANE Select); coding-DNA position 3320, A replaced by G.
Protein change: p.Gln1107Arg; replaces glutamine 1107 with arginine.
Molecular consequence: missense variant.
Genome position (GRCh38, 1-based): chr13:32,337,675, A>G. VCF-style: chr13-32337675-A-G. GRCh37 (hg19) VCF-style: chr13-32911812-A-G.
Other names: short protein forms Q1107R.
Identifiers: ClinVar variation 1447216 (VCV001447216.7), dbSNP rs1593899174, ClinGen allele CA387776236.
Genomic context (GRCh38, chr13:32,337,675, plus strand): 5'-CCCCTCAGATGTTATTTTCCAAGCAGGATTTTAATTCAAACCATAATTTAACACCTAGCC[A>G]AAAGGCAGAAATTACAGAACTTTCTACTATATTAGAAGAATCAGGAAGTCAGTTTGAATT-3'
Protein context (NP_000050.3, residues 1097-1117): FNSNHNLTPS[Gln1107Arg]KAEITELSTI